The following is an entry in ClinVar:

ClinVar aggregate classification (germline): Pathogenic (0 of 4 stars; one submission).

Conditions:
Hearing loss, autosomal recessive. Also called: Deafness, autosomal recessive; Nonsyndromic Hearing Loss, Recessive; Autosomal recessive nonsyndromic deafness; Rare autosomal recessive non-syndromic sensorineural deafness type DFNB. Identifiers: Orphanet 90635, Orphanet 90636, MedGen C1846647, MONDO:0019588, OMIM 607197.

Allele frequency attached by ClinVar (database versions not stated): gnomAD 0.00001; TOPMed 0.00002; ExAC 0.00004; gnomAD exomes 0.00004 and 0.00005.
gnomAD v4.1: 61 of 1,601,530 alleles (0.0038%); highest among the groups gnomAD compares: South Asian, 0.013%; no homozygotes.

Submission:

Human Genetics Research Lab, Central University of Jammu
Classification: Pathogenic for Hearing loss, autosomal recessive. Last evaluated: 2021-08-05. Review status: no assertion criteria provided. Collection method: research. Allele origin: germline. Inheritance: Autosomal recessive inheritance. Affected: yes. Observed: 5 variant alleles, 4 compound heterozygotes, 1 homozygote.
Comment: The variation was found in an extended family from Jammu and Kashmir-Pralkot village by our group in patients suffering from Non Syndromic Hearing loss(NSHL)and segregating with the disease.It was also found along with variation NM_001161683.1:c.109C>T in OTOA gene as compound heterozygote.

NM_001080516.2(GRXCR2):c.323C>T (p.Ala108Val)

Gene: GRXCR2 (glutaredoxin and cysteine rich domain containing 2; minus strand). Cytogenetic location: 5q32.
Variant type: single nucleotide variant.
Coding change: c.323C>T on transcript NM_001080516.2 (MANE Select); coding-DNA position 323, C replaced by T.
Protein change: p.Ala108Val; replaces alanine 108 with valine.
Molecular consequence: missense variant.
Genome position (GRCh38, 1-based): chr5:145,872,646, G>A on the plus strand (C>T on the coding strand, the complement: GRXCR2 is on the minus strand). VCF-style: chr5-145872646-G-A. GRCh37 (hg19) VCF-style: chr5-145252209-G-A.
Other names: short protein forms A108V.
Identifiers: ClinVar variation 1192284 (VCV001192284.3), dbSNP rs773457218, ClinGen allele CA3488054.
Genomic context (GRCh38, chr5:145,872,646, plus strand): 5'-TTAGGAAGCCCTACCCTTAAAGCCTATATGCCATGCACAATACCAACCTTATGGTCATTC[G>A]CCTTGTAATCGTTGAACCGAGGCTGGCCGCCTGCCAAGGTGTAGGCATTACCCTCTCTAA-3'
Protein context (NP_001073985.1, residues 98-118): GGQPRFNDYK[Ala108Val]NDHKPLPIID